The following is an entry in ClinVar:

NM_000521.4(HEXB):c.902-1G>T

Gene: HEXB (hexosaminidase subunit beta; plus strand). Cytogenetic location: 5q13.3.
Variant type: single nucleotide variant.
Coding change: c.902-1G>T on transcript NM_000521.4 (MANE Select); the canonical splice acceptor site of the intron before coding-DNA position 902, G replaced by T.
Molecular consequence: splice acceptor variant.
Genome position (GRCh38, 1-based): chr5:74,715,509, G>T. VCF-style: chr5-74715509-G-T. GRCh37 (hg19) VCF-style: chr5-74011334-G-T.
Other names: c.227-1G>T (NM_001292004.2).
Identifiers: ClinVar variation 556276 (VCV000556276.4), dbSNP rs1554036638, ClinGen allele CA360068150.

ClinVar aggregate classification (germline): Likely pathogenic. Review status: criteria provided, single submitter (1 of 4 stars). 2 submissions from 2 submitters: Likely pathogenic (1). 1 of the submissions does not count toward it. Last evaluated 2024-03-18.

Conditions:
Sandhoff disease. Also called: GM2-GANGLIOSIDOSIS, TYPE II; HEXOSAMINIDASES A AND B DEFICIENCY; Beta-hexosaminidase-beta-subunit deficiency; GM2 gangliosidosis, type 2; Total hexosaminidase deficiency; Sandhoff-Jatzkewitz-Pilz disease. Identifiers: Orphanet 796, MedGen C0036161, MONDO:0010006, OMIM 268800.

Allele frequency attached by ClinVar (database versions not stated): gnomAD exomes below 0.00001.
gnomAD v4.1: 1 of 1,598,670 alleles (0.000063%); highest among the groups gnomAD compares: Non-Finnish European, 0.000086%; no homozygotes.

Submissions (2):

Labcorp Genetics (formerly Invitae), Labcorp
Classification: Likely pathogenic for Sandhoff disease. Last evaluated: 2024-03-18. Review status: criteria provided, single submitter. Criteria: Invitae Variant Classification Sherloc (09022015). Collection method: clinical testing. Allele origin: germline.
Comment: This sequence change affects an acceptor splice site in intron 7 of the HEXB gene. It is expected to disrupt RNA splicing. Variants that disrupt the donor or acceptor splice site typically lead to a loss of protein function (PMID: 16199547), and loss-of-function variants in HEXB are known to be pathogenic (PMID: 7550345, 18758829). This variant is not present in population databases (gnomAD no frequency). This variant has not been reported in the literature in individuals affected with HEXB-related conditions. ClinVar contains an entry for this variant (Variation ID: 556276). Algorithms developed to predict the effect of sequence changes on RNA splicing suggest that this variant may disrupt the consensus splice site. In summary, the currently available evidence indicates that the variant is pathogenic, but additional data are needed to prove that conclusively. Therefore, this variant has been classified as Likely Pathogenic.

Counsyl
Classification: Likely pathogenic for Sandhoff disease. Last evaluated: 2018-01-23. Review status: no assertion criteria provided. Collection method: clinical testing. Allele origin: unknown. Not counted in ClinVar's aggregate classification.

Literature cited by the submitters: PubMed 16199547 (cited by Labcorp Genetics (formerly Invitae), Labcorp); PubMed 7550345 (cited by Labcorp Genetics (formerly Invitae), Labcorp); PubMed 18758829 (cited by Labcorp Genetics (formerly Invitae), Labcorp).